The following is an entry in ClinVar:

ClinVar aggregate classification (germline): Uncertain significance (1 of 4 stars; one submission).

Submission:

Labcorp Genetics (formerly Invitae), Labcorp
Classification: Uncertain significance. Last evaluated: 2023-01-19. Review status: criteria provided, single submitter. Criteria: Invitae Variant Classification Sherloc (09022015). Collection method: clinical testing. Allele origin: germline.
Comment: In summary, the available evidence is currently insufficient to determine the role of this variant in disease. Therefore, it has been classified as a Variant of Uncertain Significance. This variant has not been reported in the literature in individuals affected with BACH2-related conditions. This variant results in a copy number gain of the genomic region encompassing exon(s) 8-9 of the BACH2 gene. This region includes the termination codon of the gene. This copy number gain extends beyond the assayed region for this gene and therefore may encompass additional genes. As the precise location of this event is unknown, it may be in tandem or it may be located elsewhere in the genome.

NC_000006.11:g.(?_90642127)_(90648089_?)dup

Gene: BACH2 (BTB domain and CNC homolog 2; minus strand). Cytogenetic location: 6q15.
Variant type: Duplication.
Identifiers: ClinVar variation 2426680 (VCV002426680.4).